The following is an entry in ClinVar:

NM_003628.6(PKP4):c.1637C>G (p.Ala546Gly)

Gene: PKP4 (plakophilin 4; plus strand). Cytogenetic location: 2q24.1.
Variant type: single nucleotide variant.
Coding change: c.1637C>G on transcript NM_003628.6 (MANE Select); coding-DNA position 1637, C replaced by G.
Protein change: p.Ala546Gly; replaces alanine 546 with glycine.
Molecular consequence: missense variant.
Genome position (GRCh38, 1-based): chr2:158,640,701, C>G. VCF-style: chr2-158640701-C-G. GRCh37 (hg19) VCF-style: chr2-159497213-C-G.
Other names: c.1637C>G, p.Ala546Gly (NM_001005476.4, NM_001304971.2, NM_001377218.1 and 1 more transcripts); c.1634C>G, p.Ala545Gly (NM_001304969.3, NM_001377219.1, NM_001377220.1 and 2 more transcripts); c.608C>G, p.Ala203Gly (NM_001304970.3); c.1631C>G, p.Ala544Gly (NM_001377222.1, NM_001377223.1); c.1628C>G, p.Ala543Gly (NM_001377224.1); short protein forms A203G, A543G, A544G, A545G, A546G.
Identifiers: ClinVar variation 4862006 (VCV004862006.1).

ClinVar aggregate classification (germline): Uncertain significance (1 of 4 stars; one submission).

gnomAD v4.1: 3 of 1,613,966 alleles (0.00019%); highest among the groups gnomAD compares: Non-Finnish European, 0.00025%; no homozygotes.

Submission:

Ambry Genetics
Classification: Uncertain significance. Last evaluated: 2026-03-15. Review status: criteria provided, single submitter. Criteria: Ambry Variant Classification Scheme 2023. Collection method: clinical testing. Allele origin: germline.
Comment: The p.A546G variant (also known as c.1637C>G), located in coding exon 9 of the PKP4 gene, results from a C to G substitution at nucleotide position 1637. The alanine at codon 546 is replaced by glycine, an amino acid with similar properties. This amino acid position is conserved. In addition, this alteration is predicted to be tolerated by in silico analysis. Based on the available evidence, the clinical significance of this variant remains unclear.